The following is an entry in ClinVar:

ClinVar aggregate classification (germline): Uncertain significance. Review status: criteria provided, multiple submitters, no conflicts (2 of 4 stars). 2 submissions from 2 submitters: Uncertain significance (2). Last evaluated 2023-11-24.

Conditions:
DICER1-related tumor predisposition. Also called: DICER1-related pleuropulmonary blastoma cancer predisposition syndrome; DICER1 syndrome. Identifiers: Orphanet 284343, MedGen C3839822, MONDO:0100216.
Hereditary cancer-predisposing syndrome. Also called: Tumor predisposition; Neoplastic Syndromes, Hereditary; Hereditary Cancer Syndrome; Hereditary neoplastic syndrome. Identifiers: Orphanet 140162, MedGen C0027672, MeSH D009386, MONDO:0015356.

Allele frequency attached by ClinVar (database versions not stated): gnomAD exomes below 0.00001.
gnomAD v4.1: 1 of 1,613,912 alleles (0.000062%); highest among the groups gnomAD compares: Non-Finnish European, 0.000085%; no homozygotes.

Submissions (2):

Labcorp Genetics (formerly Invitae), Labcorp
Classification: Uncertain significance for DICER1-related tumor predisposition. Last evaluated: 2023-11-24. Review status: criteria provided, single submitter. Criteria: Invitae Variant Classification Sherloc (09022015). Collection method: clinical testing. Allele origin: germline.
Comment: This sequence change replaces phenylalanine, which is neutral and non-polar, with cysteine, which is neutral and slightly polar, at codon 344 of the DICER1 protein (p.Phe344Cys). This variant is not present in population databases (gnomAD no frequency). This variant has not been reported in the literature in individuals affected with DICER1-related conditions. Advanced modeling of protein sequence and biophysical properties (such as structural, functional, and spatial information, amino acid conservation, physicochemical variation, residue mobility, and thermodynamic stability) performed at Invitae indicates that this missense variant is expected to disrupt DICER1 protein function with a positive predictive value of 80%. In summary, the available evidence is currently insufficient to determine the role of this variant in disease. Therefore, it has been classified as a Variant of Uncertain Significance.

Ambry Genetics
Classification: Uncertain significance for Hereditary cancer-predisposing syndrome. Last evaluated: 2023-07-15. Review status: criteria provided, single submitter. Criteria: Ambry Variant Classification Scheme 2023. Collection method: clinical testing. Allele origin: germline.
Comment: The p.F344C variant (also known as c.1031T>G), located in coding exon 7 of the DICER1 gene, results from a T to G substitution at nucleotide position 1031. The phenylalanine at codon 344 is replaced by cysteine, an amino acid with highly dissimilar properties. This amino acid position is conserved. In addition, this alteration is predicted to be deleterious by in silico analysis. Since supporting evidence is limited at this time, the clinical significance of this alteration remains unclear.

NM_177438.3(DICER1):c.1031T>G (p.Phe344Cys)

Gene: DICER1 (dicer 1, ribonuclease III; minus strand). Cytogenetic location: 14q32.13.
Variant type: single nucleotide variant.
Coding change: c.1031T>G on transcript NM_177438.3 (MANE Select); coding-DNA position 1031, T replaced by G.
Protein change: p.Phe344Cys; replaces phenylalanine 344 with cysteine.
Molecular consequence: missense variant. On other transcripts: 5 prime UTR variant (1), non-coding transcript variant (6).
Genome position (GRCh38, 1-based): chr14:95,124,541, A>C on the plus strand (T>G on the coding strand, the complement: DICER1 is on the minus strand). VCF-style: chr14-95124541-A-C. GRCh37 (hg19) VCF-style: chr14-95590878-A-C.
Other names: c.1031T>G, p.Phe344Cys (NM_001195573.1, NM_001271282.3, NM_001291628.2 and 15 more transcripts); c.749T>G, p.Phe250Cys (NM_001395686.1); c.626T>G, p.Phe209Cys (NM_001395687.1, NM_001395688.1, NM_001395689.1 and 3 more transcripts); c.464T>G, p.Phe155Cys (NM_001395691.1); c.-538T>G (NM_001395697.1); short protein forms F344C, F209C, F250C, F155C.
Identifiers: ClinVar variation 2598582 (VCV002598582.5), dbSNP rs2543183427, ClinGen allele CA390887116.